The following is an entry in ClinVar:

NM_181486.4(TBX5):c.1485del (p.Thr496fs)

Gene: TBX5 (T-box transcription factor 5; minus strand). Cytogenetic location: 12q24.21.
Variant type: Deletion.
Coding change: c.1485del on transcript NM_181486.4 (MANE Select); coding-DNA position 1485, one base deleted (G; older notation c.1485delG).
Protein change: p.Thr496fs; shifts the reading frame from threonine 496.
Molecular consequence: frameshift variant.
Genome position (GRCh38, 1-based): chr12:114,355,604, C deleted on the plus strand (G on the coding strand, the reverse complement: TBX5 is on the minus strand); the first of 2 consecutive C bases (chr12:114,355,604-114,355,605); deleting either gives the same sequence. VCF-style (leftmost placement, unchanged base first): chr12-114355603-TC-T. GRCh37 (hg19) VCF-style: chr12-114793408-TC-T.
Other names: c.1485del, p.Thr496fs (NM_000192.3); c.1335del, p.Thr446fs (NM_080717.4); c.1485delG (NM_000192.3); short protein forms T446fs, T496fs.
Identifiers: ClinVar variation 1773653 (VCV001773653.5), dbSNP rs2540424549, ClinGen allele CA2580085840.

ClinVar aggregate classification (germline): Likely pathogenic. Review status: criteria provided, multiple submitters, no conflicts (2 of 4 stars). 2 submissions from 2 submitters: Likely pathogenic (2). Last evaluated 2025-03-05.

Conditions:
Aortic valve disease 2 (AOVD2). Identifiers: MedGen C3542024, MONDO:0013902, OMIM 614823.
Cardiovascular phenotype. Identifiers: MedGen CN230736.

Submissions (2):

Labcorp Genetics (formerly Invitae), Labcorp
Classification: Likely pathogenic for Aortic valve disease 2. Last evaluated: 2025-03-05. Review status: criteria provided, single submitter. Criteria: Invitae Variant Classification Sherloc (09022015). Collection method: clinical testing. Allele origin: germline.
Comment: This sequence change results in a frameshift in the TBX5 gene (p.Thr496Leufs*86). While this is not anticipated to result in nonsense mediated decay, it is expected to disrupt the last 23 amino acid(s) of the TBX5 protein and extend the protein by 62 additional amino acid residues. This variant is not present in population databases (gnomAD no frequency). This frameshift has been observed in individual(s) with Holt-Oram syndrome (internal data). It has also been observed to segregate with disease in related individuals. ClinVar contains an entry for this variant (Variation ID: 1773653). Experimental studies and prediction algorithms are not available or were not evaluated, and the functional significance of this variant is currently unknown. In summary, the currently available evidence indicates that the variant is pathogenic, but additional data are needed to prove that conclusively. Therefore, this variant has been classified as Likely Pathogenic.

Ambry Genetics
Classification: Likely pathogenic for Cardiovascular phenotype. Last evaluated: 2023-09-15. Review status: criteria provided, single submitter. Criteria: Ambry Variant Classification Scheme 2023. Collection method: clinical testing. Allele origin: germline.
Comment: The c.1485delG variant, located in coding exon 8 of the TBX5 gene, results from a deletion of one nucleotide at nucleotide position 1485, causing a translational frameshift with a predicted alternate stop codon (p.T496Lfs*86). This alteration occurs at the 3' terminus of theTBX5 gene, is not expected to trigger nonsense-mediated mRNAdecay and results in the elongation of the protein by 62 amino acids. This frameshift impacts the last 23amino acids of the native protein. However, frameshifts are typically deleterious in nature. This alteration has been reported in subjects with features of Holt-Oram syndrome and has been noted to segregate with disease (Ambry internal data; external communication). This variant is considered to be rare based on population cohorts in the Genome Aggregation Database (gnomAD). Based on the majority of available evidence to date, this variant is likely to be pathogenic.